The following is an entry in ClinVar:

ClinVar aggregate classification (germline): Uncertain significance. Review status: criteria provided, single submitter (1 of 4 stars). 2 submissions from 2 submitters: Uncertain significance (1). 1 of the submissions does not count toward it. Last evaluated 2015-01-07.

Conditions:
Premature ovarian insufficiency (POF). Also called: Premature ovarian failure. Identifiers: MedGen C4303540, HP:0008209.
Preeclampsia. Identifiers: Orphanet 275555, MedGen C0032914, MONDO:0005081, HP:0100602.

Submissions (2):

Department of Biotechnology, Institute of Molecular and Cell Biology, University of Tartu
Classification: Uncertain significance for Primary ovarian failure. Last evaluated: 2015-01-07. Review status: criteria provided, single submitter. Criteria: ACMG CNV Guidelines, 2011. Collection method: reference population. Allele origin: unknown. Affected: yes. Observed: 1 variant allele.

Institute of Molecular and Cell Biology, University of Tartu
No classification provided. Condition: Preeclampsia. Review status: no classification provided. Collection method: case-control. Allele origin: unknown. Affected: yes. Study: Kasak2014. Not counted in ClinVar's aggregate classification.
Comment: The study aimed to determine the contribution of copy number variants in the genetic etiology of normal and complicated pregnancies. The samples represented (i) maternal blood DNA drawn from healthy pregnant women during 1st or 2nd trimester and (ii) maternal and paternal blood DNA drawn at term pregnancy cases representing normal and complicated gestations (severe preeclampsia, PE; gestational diabetes, GD; small-for-gestational age newborn, SGA; large-for-gestational age newborn, LGA). We performed CNV calling based on genome-wide genotyping dataset (Illumina HumanOmniExpress-24-v1 BeadChip) by applying three algorithms, QuantiSNP, GADA (Genome Alteration Detection Algorithm) and CNstream in parallel. The acquired CNV calls were merged with HD-CNV (Hotspot Detector for Copy Number Variants) program and only the CNVs predicted by at least two programs, were considered in subsequent analysis.

Literature cited by the submitters: PubMed 25666259 (cited by Institute of Molecular and Cell Biology, University of Tartu).

GRCh37/hg19 12q24.31(chr12:125260645-125321461)x3

Gene: SCARB1 (scavenger receptor class B member 1; minus strand). Cytogenetic location: 12q24.31.
Variant type: copy number gain.
Change: copy number 3 (three copies instead of two) of chr12:125,260,645-125,321,461 (60.8 kb, GRCh37 coordinates, 1-based), cytogenetic band 12q24.31.
Identifiers: ClinVar variation 221855 (VCV000221855.2).